The following is an entry in ClinVar:

ClinVar aggregate classification (germline): Conflicting classifications of pathogenicity. Review status: criteria provided, conflicting classifications (1 of 4 stars). 3 submissions from 3 submitters: Uncertain significance (1); Likely benign (2). Last evaluated 2025-03-16.

Conditions:
Cardiovascular phenotype. Identifiers: MedGen CN230736.
ANKRD1-related dilated cardiomyopathy. Identifiers: MedGen CN119551.

Allele frequency attached by ClinVar (database versions not stated): gnomAD 0.00004 and 0.00005; gnomAD exomes 0.00005 and 0.00009; TOPMed 0.00010; ExAC 0.00011; 1000 Genomes Project 30x 0.00016; 1000 Genomes Project 0.00020.
gnomAD v4.1: 83 of 1,613,444 alleles (0.0051%); highest among the groups gnomAD compares: East Asian, 0.17%; no homozygotes.

Submissions (3):

Labcorp Genetics (formerly Invitae), Labcorp
Classification: Likely benign for ANKRD1-related dilated cardiomyopathy. Last evaluated: 2025-03-16. Review status: criteria provided, single submitter. Criteria: Invitae Variant Classification Sherloc (09022015). Collection method: clinical testing. Allele origin: germline.

GeneDx
Classification: Uncertain significance. Last evaluated: 2023-04-17. Review status: criteria provided, single submitter. Criteria: GeneDx Variant Classification Process June 2021. Collection method: clinical testing. Allele origin: germline. Affected: yes.
Comment: In silico analysis supports that this missense variant has a deleterious effect on protein structure/function; This variant is associated with the following publications: (PMID: 31918855, 33658040)

Ambry Genetics
Classification: Likely benign for Cardiovascular phenotype. Last evaluated: 2021-03-11. Review status: criteria provided, single submitter. Criteria: Ambry Variant Classification Scheme 2023. Collection method: clinical testing. Allele origin: germline.

NM_014391.3(ANKRD1):c.545G>A (p.Arg182His)

Gene: ANKRD1 (ankyrin repeat domain 1; minus strand). Cytogenetic location: 10q23.31.
Variant type: single nucleotide variant.
Coding change: c.545G>A on transcript NM_014391.3 (MANE Select); coding-DNA position 545, G replaced by A.
Protein change: p.Arg182His; replaces arginine 182 with histidine.
Molecular consequence: missense variant.
Genome position (GRCh38, 1-based): chr10:90,917,739, C>T on the plus strand (G>A on the coding strand, the complement: ANKRD1 is on the minus strand). VCF-style: chr10-90917739-C-T. GRCh37 (hg19) VCF-style: chr10-92677496-C-T.
Other names: short protein forms R182H.
Identifiers: ClinVar variation 1089355 (VCV001089355.11), dbSNP rs530739375, ClinGen allele CA5598701.